The following is an entry in ClinVar:

ClinVar aggregate classification (germline): Uncertain significance (1 of 4 stars; one submission).

Conditions:
Fibrous dysplasia of jaw (CRBM). Also called: Cherubism. Identifiers: Orphanet 184, MedGen C0008029, MONDO:0007315, OMIM 118400.

Allele frequency attached by ClinVar (database versions not stated): gnomAD exomes 0.00001; ExAC 0.00002; gnomAD 0.00001.
gnomAD v4.1: 10 of 1,613,922 alleles (0.00062%); highest among the groups gnomAD compares: South Asian, 0.0044%; no homozygotes.

Submission:

Labcorp Genetics (formerly Invitae), Labcorp
Classification: Uncertain significance for Fibrous dysplasia of jaw. Last evaluated: 2023-03-04. Review status: criteria provided, single submitter. Criteria: Invitae Variant Classification Sherloc (09022015). Collection method: clinical testing. Allele origin: germline.
Comment: This sequence change replaces proline, which is neutral and non-polar, with leucine, which is neutral and non-polar, at codon 69 of the SH3BP2 protein (p.Pro69Leu). This variant is present in population databases (rs775642148, gnomAD 0.006%). This variant has not been reported in the literature in individuals affected with SH3BP2-related conditions. ClinVar contains an entry for this variant (Variation ID: 859749). Advanced modeling of protein sequence and biophysical properties (such as structural, functional, and spatial information, amino acid conservation, physicochemical variation, residue mobility, and thermodynamic stability) performed at Invitae indicates that this missense variant is not expected to disrupt SH3BP2 protein function. In summary, the available evidence is currently insufficient to determine the role of this variant in disease. Therefore, it has been classified as a Variant of Uncertain Significance.

NM_001122681.2(SH3BP2):c.206C>T (p.Pro69Leu)

Gene: SH3BP2 (SH3 domain binding protein 2; plus strand). Cytogenetic location: 4p16.3.
Variant type: single nucleotide variant.
Coding change: c.206C>T on transcript NM_001122681.2 (MANE Select); coding-DNA position 206, C replaced by T.
Protein change: p.Pro69Leu; replaces proline 69 with leucine.
Molecular consequence: missense variant.
Genome position (GRCh38, 1-based): chr4:2,823,004, C>T. VCF-style: chr4-2823004-C-T. GRCh37 (hg19) VCF-style: chr4-2824731-C-T.
Other names: c.290C>T, p.Pro97Leu (NM_001145855.2); c.377C>T, p.Pro126Leu (NM_001145856.2); c.206C>T, p.Pro69Leu (NM_003023.4); short protein forms P126L, P69L, P97L.
Identifiers: ClinVar variation 859749 (VCV000859749.7), dbSNP rs775642148, ClinGen allele CA2818938.
Genomic context (GRCh38, chr4:2,823,004, plus strand): 5'-GCTTTGTCATCATCCACAAACGCTGCGTCTACTACTTCAAGAGTAGCACCTCTGCCTCCC[C>T]GCAGGGCGCCTTCTCCCTGAGTGGCTATAACCGGTAAGTGCCCGACCTGCCTGCTGACCT-3'
Protein context (NP_001116153.1, residues 59-79): YYFKSSTSAS[Pro69Leu]QGAFSLSGYN